The following is an entry in ClinVar:

ClinVar aggregate classification (germline): Uncertain significance (1 of 4 stars; one submission).

Allele frequency attached by ClinVar (database versions not stated): gnomAD 0.00001; TOPMed 0.00001.
gnomAD v4.1: 2 of 1,611,514 alleles (0.00012%); highest among the groups gnomAD compares: African/African-American, 0.0027%; no homozygotes.

Submission:

Labcorp Genetics (formerly Invitae), Labcorp
Classification: Uncertain significance. Last evaluated: 2024-05-21. Review status: criteria provided, single submitter. Criteria: Invitae Variant Classification Sherloc (09022015). Collection method: clinical testing. Allele origin: germline.
Comment: This sequence change replaces glutamic acid, which is acidic and polar, with lysine, which is basic and polar, at codon 317 of the IFT57 protein (p.Glu317Lys). This variant is not present in population databases (gnomAD no frequency). This variant has not been reported in the literature in individuals affected with IFT57-related conditions. An algorithm developed to predict the effect of missense changes on protein structure and function (PolyPhen-2) suggests that this variant is likely to be disruptive. In summary, the available evidence is currently insufficient to determine the role of this variant in disease. Therefore, it has been classified as a Variant of Uncertain Significance.

NM_018010.4(IFT57):c.949G>A (p.Glu317Lys)

Gene: IFT57 (intraflagellar transport 57; minus strand). Cytogenetic location: 3q13.12.
Variant type: single nucleotide variant.
Coding change: c.949G>A on transcript NM_018010.4 (MANE Select); coding-DNA position 949, G replaced by A.
Protein change: p.Glu317Lys; replaces glutamic acid 317 with lysine.
Molecular consequence: missense variant.
Genome position (GRCh38, 1-based): chr3:108,166,886, C>T on the plus strand (G>A on the coding strand, the complement: IFT57 is on the minus strand). VCF-style: chr3-108166886-C-T. GRCh37 (hg19) VCF-style: chr3-107885733-C-T.
Other names: short protein forms E317K.
Identifiers: ClinVar variation 2993199 (VCV002993199.3), dbSNP rs1405465391, ClinGen allele CA353913807.